The following is an entry in ClinVar:

NM_024422.6(DSC2):c.2647T>C (p.Phe883Leu)

Gene: DSC2 (desmocollin 2; minus strand). Cytogenetic location: 18q12.1.
Variant type: single nucleotide variant.
Coding change: c.2647T>C on transcript NM_024422.6 (MANE Select); coding-DNA position 2647, T replaced by C.
Protein change: p.Phe883Leu; replaces phenylalanine 883 with leucine.
Molecular consequence: missense variant. On other transcripts: 3 prime UTR variant (2).
Genome position (GRCh38, 1-based): chr18:31,068,074, A>G on the plus strand (T>C on the coding strand, the complement: DSC2 is on the minus strand). VCF-style: chr18-31068074-A-G. GRCh37 (hg19) VCF-style: chr18-28648040-A-G.
Other names: c.2218T>C, p.Phe740Leu (NM_001406506.1); c.*149T>C (NM_001406507.1, NM_004949.5); short protein forms F740L, F883L.
Identifiers: ClinVar variation 4758882 (VCV004758882.1).

ClinVar aggregate classification (germline): Uncertain significance (1 of 4 stars; one submission).

Conditions:
Cardiomyopathy (CMYO). Also called: Cardiomyopathies. Identifiers: Orphanet 167848, MedGen C0878544, MONDO:0004994, HP:0001638. Inheritance: Various modes of inheritance.

Submission:

Color Diagnostics, LLC DBA Color Health
Classification: Uncertain significance for Cardiomyopathy. Last evaluated: 2025-07-14. Review status: criteria provided, single submitter. Criteria: ACMG Guidelines, 2015. Collection method: clinical testing. Allele origin: germline.
Comment: This missense variant replaces phenylalanine with leucine at codon 883 of the DSC2 protein. Computational prediction suggests that this variant may have deleterious impact on protein structure and function. To our knowledge, functional studies have not been reported for this variant. This variant has not been reported in individuals affected with DSC2-related disorders in the literature. This variant has not been identified in the general population by the Genome Aggregation Database (gnomAD). The available evidence is insufficient to determine the role of this variant in disease conclusively. Therefore, this variant is classified as a Variant of Uncertain Significance.